The following is an entry in ClinVar:

NM_006035.4(CDC42BPB):c.1778A>C (p.Lys593Thr)

Gene: CDC42BPB (CDC42 binding protein kinase beta; minus strand). Cytogenetic location: 14q32.32.
Variant type: single nucleotide variant.
Coding change: c.1778A>C on transcript NM_006035.4 (MANE Select); coding-DNA position 1778, A replaced by C.
Protein change: p.Lys593Thr; replaces lysine 593 with threonine.
Molecular consequence: missense variant.
Genome position (GRCh38, 1-based): chr14:102,972,025, T>G on the plus strand (A>C on the coding strand, the complement: CDC42BPB is on the minus strand). VCF-style: chr14-102972025-T-G. GRCh37 (hg19) VCF-style: chr14-103438362-T-G.
Other names: c.1778A>C, p.Lys593Thr (NM_001411054.1); short protein forms K593T.
Identifiers: ClinVar variation 4532558 (VCV004532558.1).

ClinVar aggregate classification (germline): Uncertain significance (1 of 4 stars; one submission).

gnomAD v4.1: 3 of 1,614,262 alleles (0.00019%); highest among the groups gnomAD compares: Non-Finnish European, 0.00025%; no homozygotes.

Submission:

GeneDx
Classification: Uncertain significance. Last evaluated: 2025-05-28. Review status: criteria provided, single submitter. Criteria: GeneDx Variant Classification Process June 2021. Collection method: clinical testing. Allele origin: germline. Affected: yes.
Comment: Not observed at significant frequency in large population cohorts (gnomAD); In silico analysis supports that this missense variant has a deleterious effect on protein structure/function; Has not been previously published as pathogenic or benign to our knowledge